The following is an entry in ClinVar:

ClinVar aggregate classification (germline): Likely benign (1 of 4 stars; one submission).

Conditions:
PDGFC-related disorder. Also called: PDGFC-related condition.

gnomAD v4.1: 8 of 1,566,928 alleles (0.00051%); highest among the groups gnomAD compares: Non-Finnish European, 0.00062%; no homozygotes.

Submission:

PreventionGenetics, part of Exact Sciences
Classification: Likely benign for PDGFC-related condition. Last evaluated: 2026-03-05. Review status: criteria provided, single submitter. Criteria: ACMG Guidelines, 2015. Collection method: clinical testing. Allele origin: germline.
Comment: This variant is classified as likely benign based on ACMG/AMP sequence variant interpretation guidelines (Richards et al. 2015 PMID: 25741868, with internal and published modifications).

NM_016205.3(PDGFC):c.704-3T>C

Gene: PDGFC (platelet derived growth factor C; minus strand). Cytogenetic location: 4q32.1.
Variant type: single nucleotide variant.
Coding change: c.704-3T>C on transcript NM_016205.3 (MANE Select); 3 bases into the intron before coding-DNA position 704, T replaced by C.
Molecular consequence: intron variant.
Genome position (GRCh38, 1-based): chr4:156,767,993, A>G on the plus strand (T>C on the coding strand, the complement: PDGFC is on the minus strand). VCF-style: chr4-156767993-A-G. GRCh37 (hg19) VCF-style: chr4-157689145-A-G.
Identifiers: ClinVar variation 4983221 (VCV004983221.1).